The following is an entry in ClinVar:

ClinVar aggregate classification (germline): Likely benign (0 of 4 stars; one submission).

Conditions:
NRXN3-related disorder. Also called: NRXN3-related condition.

Allele frequency attached by ClinVar (database versions not stated): gnomAD exomes 0.00015; ExAC 0.00043; 1000 Genomes Project 0.00100; 1000 Genomes Project 30x 0.00109; gnomAD 0.00141; TOPMed 0.00162; ESP Exome Variant Server 0.00208.
gnomAD v4.1: 441 of 1,614,100 alleles (0.027%); highest among the groups gnomAD compares: African/African-American, 0.54%; no homozygotes.

Submission:

PreventionGenetics, part of Exact Sciences
Classification: Likely benign for NRXN3-related condition. Last evaluated: 2019-10-28. Review status: no assertion criteria provided. Collection method: clinical testing. Allele origin: germline.
Comment: This variant is classified as likely benign based on ACMG/AMP sequence variant interpretation guidelines (Richards et al. 2015 PMID: 25741868, with internal and published modifications).

NM_001330195.2(NRXN3):c.1541A>C (p.Asp514Ala)

Genes: NRXN3 (neurexin 3; plus strand), LOC105370589 (uncharacterized LOC105370589; minus strand). Cytogenetic location: 14q24.3.
Variant type: single nucleotide variant.
Coding change: c.1541A>C on transcript NM_001330195.2 (MANE Select); coding-DNA position 1541, A replaced by C.
Protein change: p.Asp514Ala; replaces aspartic acid 514 with alanine.
Molecular consequence: missense variant. On other transcripts: non-coding transcript variant (5).
Genome position (GRCh38, 1-based): chr14:78,709,536, A>C. VCF-style: chr14-78709536-A-C. GRCh37 (hg19) VCF-style: chr14-79175879-A-C.
Other names: c.1541A>C, p.Asp514Ala (NM_001366425.1); c.1553A>C, p.Asp518Ala (NM_001366426.1); c.422A>C, p.Asp141Ala (NM_004796.6); short protein forms D141A, D514A, D518A.
Identifiers: ClinVar variation 3039991 (VCV003039991.2), dbSNP rs34083173, ClinGen allele CA7291658.